The following is an entry in ClinVar:

ClinVar aggregate classification (germline): Uncertain significance. Review status: criteria provided, multiple submitters, no conflicts (2 of 4 stars). 3 submissions from 3 submitters: Uncertain significance (3). Last evaluated 2025-05-15.

Conditions:
Acrocallosal syndrome (ACLS). Also called: Schinzel syndrome 1; Absence of corpus callosum with unusual facial appearance, mental deficiency, duplication of the halluces and polydactyly; HALLUX DUPLICATION, POSTAXIAL POLYDACTYLY, AND ABSENCE OF CORPUS CALLOSUM. Identifiers: Orphanet 36, MedGen C0796147, MONDO:0008708, OMIM 200990.
Inborn genetic diseases. Identifiers: MedGen C0950123, MeSH D030342.

Submissions (3):

Ambry Genetics
Classification: Uncertain significance for Inborn genetic diseases. Last evaluated: 2025-05-15. Review status: criteria provided, single submitter. Criteria: Ambry Variant Classification Scheme 2023. Collection method: clinical testing. Allele origin: germline.

Labcorp Genetics (formerly Invitae), Labcorp
Classification: Uncertain significance for Acrocallosal syndrome. Last evaluated: 2025-01-06. Review status: criteria provided, single submitter. Criteria: Invitae Variant Classification Sherloc (09022015). Collection method: clinical testing. Allele origin: germline.
Comment: This sequence change replaces arginine, which is basic and polar, with glycine, which is neutral and non-polar, at codon 782 of the KIF7 protein (p.Arg782Gly). This variant is present in population databases (rs780592854, gnomAD 0.009%). This variant has not been reported in the literature in individuals affected with KIF7-related conditions. ClinVar contains an entry for this variant (Variation ID: 1398084). Invitae Evidence Modeling of protein sequence and biophysical properties (such as structural, functional, and spatial information, amino acid conservation, physicochemical variation, residue mobility, and thermodynamic stability) indicates that this missense variant is not expected to disrupt KIF7 protein function with a negative predictive value of 80%. In summary, the available evidence is currently insufficient to determine the role of this variant in disease. Therefore, it has been classified as a Variant of Uncertain Significance.

Blueprint Genetics
Classification: Uncertain significance. Last evaluated: 2024-03-18. Review status: criteria provided, single submitter. Criteria: ACMG Guidelines, 2015. Collection method: clinical testing. Allele origin: germline.

NM_198525.3(KIF7):c.2344C>G (p.Arg782Gly)

Gene: KIF7 (kinesin family member 7; minus strand). Cytogenetic location: 15q26.1.
Variant type: single nucleotide variant.
Coding change: c.2344C>G on transcript NM_198525.3 (MANE Select); coding-DNA position 2344, C replaced by G.
Protein change: p.Arg782Gly; replaces arginine 782 with glycine.
Molecular consequence: missense variant.
Genome position (GRCh38, 1-based): chr15:89,642,253, G>C on the plus strand (C>G on the coding strand, the complement: KIF7 is on the minus strand). VCF-style: chr15-89642253-G-C. GRCh37 (hg19) VCF-style: chr15-90185484-G-C.
Other names: c.2344C>G (NM_198525.2); short protein forms R782G.
Identifiers: ClinVar variation 1398084 (VCV001398084.7), dbSNP rs780592854, ClinGen allele CA7728229.